The following is an entry in ClinVar:

ClinVar aggregate classification (germline): Likely pathogenic. Review status: criteria provided, multiple submitters, no conflicts (2 of 4 stars). 3 submissions from 3 submitters: Likely pathogenic (3). Last evaluated 2026-04-15.

Conditions:
Hereditary cancer-predisposing syndrome. Also called: Tumor predisposition; Hereditary neoplastic syndrome; Neoplastic Syndromes, Hereditary; Hereditary Cancer Syndrome. Identifiers: Orphanet 140162, MedGen C0027672, MeSH D009386, MONDO:0015356.
Hereditary leiomyomatosis and renal cell cancer. Also called: Familial leiomyomatosis; MULTIPLE CUTANEOUS AND UTERINE LEIOMYOMATA 1, WITH OR WITHOUT RENAL CELL CARCINOMA; Multiple cutaneous leiomyomas; Reed syndrome; Multiple cutaneous and uterine leiomyomatosis; Cutaneous leiomyomata with uterine leiomyomata. Identifiers: Orphanet 523, MedGen C1708350, MONDO:0007888, OMIM 150800, HP:0007437. Disease mechanism: loss of function.

Submissions (4):

Myriad Genetics, Inc.
Classification: Likely pathogenic for Hereditary leiomyomatosis and renal cell cancer. Last evaluated: 2026-04-15. Review status: criteria provided, single submitter. Criteria: Myriad Autosomal Dominant, Autosomal Recessive and X-Linked Classification Criteria (2023). Collection method: clinical testing. Allele origin: unknown.
Comment: This variant is considered likely pathogenic. Functional studies indicate this variant impacts protein function [PMID: 37255402;]. This variant has been reported in multiple individuals with clinical features of gene-specific disease [PMID: 31831373, 34994643, 30050099, 36773955, Myriad internal data]. This variant is expected to disrupt protein structure [Myriad internal data].

Ambry Genetics
Classification: Likely pathogenic for Hereditary cancer-predisposing syndrome. Last evaluated: 2025-01-20. Review status: criteria provided, single submitter. Criteria: Ambry Variant Classification Scheme 2023. Collection method: clinical testing. Allele origin: germline.
Comment: The p.T234P variant (also known as c.700A>C), located in coding exon 5 of the FH gene, results from an A to C substitution at nucleotide position 700. The threonine at codon 234 is replaced by proline, an amino acid with highly similar properties. This amino acid position is highly conserved in available vertebrate species. In addition, this alteration is predicted to be deleterious by in silico analysis. Based on the majority of available evidence to date, this variant is likely to be pathogenic.

Labcorp Genetics (formerly Invitae), Labcorp
Classification: Likely pathogenic. Last evaluated: 2023-10-23. Review status: criteria provided, single submitter. Criteria: Invitae Variant Classification Sherloc (09022015). Collection method: clinical testing. Allele origin: germline.
Comment: This sequence change replaces threonine, which is neutral and polar, with proline, which is neutral and non-polar, at codon 234 of the FH protein (p.Thr234Pro). This variant is not present in population databases (gnomAD no frequency). This variant has not been reported in the literature in individuals affected with FH-related conditions. ClinVar contains an entry for this variant (Variation ID: 460376). Advanced modeling of protein sequence and biophysical properties (such as structural, functional, and spatial information, amino acid conservation, physicochemical variation, residue mobility, and thermodynamic stability) performed at Invitae indicates that this missense variant is expected to disrupt FH protein function. This variant disrupts the p.Thr234 amino acid residue in FH. Other variant(s) that disrupt this residue have been determined to be pathogenic (PMID: 30050099; Invitae). This suggests that this residue is clinically significant, and that variants that disrupt this residue are likely to be disease-causing. In summary, the currently available evidence indicates that the variant is pathogenic, but additional data are needed to prove that conclusively. Therefore, this variant has been classified as Likely Pathogenic.

Blake Wilde Laboratory, Roswell Park Comprehensive Cancer Center
No classification provided (evidence only). Condition: Hereditary leiomyomatosis and renal cell cancer. Review status: no classification provided. Collection method: in vitro. Allele origin: not applicable. Functional consequence: decreased enzyme activity. Not counted in ClinVar's aggregate classification.

Literature cited by the submitters: PubMed 37255402 (cited by Myriad Genetics, Inc.); PubMed 31831373 (cited by Myriad Genetics, Inc.); PubMed 34994643 (cited by Myriad Genetics, Inc.); PubMed 30050099 (cited by Myriad Genetics, Inc. and Labcorp Genetics (formerly Invitae), Labcorp); PubMed 36773955 (cited by Myriad Genetics, Inc.).

NM_000143.4(FH):c.700A>C (p.Thr234Pro)

Gene: FH (fumarate hydratase; minus strand). Cytogenetic location: 1q43.
Variant type: single nucleotide variant.
Coding change: c.700A>C on transcript NM_000143.4 (MANE Select); coding-DNA position 700, A replaced by C.
Protein change: p.Thr234Pro; replaces threonine 234 with proline.
Molecular consequence: missense variant.
Genome position (GRCh38, 1-based): chr1:241,508,641, T>G on the plus strand (A>C on the coding strand, the complement: FH is on the minus strand). VCF-style: chr1-241508641-T-G. GRCh37 (hg19) VCF-style: chr1-241671941-T-G.
Other names: short protein forms T234P.
Identifiers: ClinVar variation 460376 (VCV000460376.13), dbSNP rs372505976, ClinGen allele CA345439217.